The following is an entry in ClinVar:

ClinVar aggregate classification (germline): Uncertain significance (1 of 4 stars; one submission).

Conditions:
Peroxisome biogenesis disorder. Identifiers: Orphanet 79189, MedGen C1832200, MONDO:0019234. Disease mechanism: loss of function.

Allele frequency attached by ClinVar (database versions not stated): gnomAD exomes below 0.00001.
gnomAD v4.1: 1 of 1,561,028 alleles (0.000064%); highest among the groups gnomAD compares: Non-Finnish European, 0.000087%; no homozygotes.

Submission:

Labcorp Genetics (formerly Invitae), Labcorp
Classification: Uncertain significance for Peroxisome biogenesis disorder. Last evaluated: 2021-10-27. Review status: criteria provided, single submitter. Criteria: Invitae Variant Classification Sherloc (09022015). Collection method: clinical testing. Allele origin: germline.
Comment: This variant is not present in population databases (gnomAD no frequency). In summary, the available evidence is currently insufficient to determine the role of this variant in disease. Therefore, it has been classified as a Variant of Uncertain Significance. Algorithms developed to predict the effect of missense changes on protein structure and function (SIFT, PolyPhen-2, Align-GVGD) all suggest that this variant is likely to be tolerated. This variant has not been reported in the literature in individuals affected with PEX16-related conditions. This sequence change replaces valine, a(n) neutral and non-polar amino acid, with glycine, a(n) neutral and non-polar amino acid, at codon 29 of the PEX16 protein (p.Val29Gly).

NM_004813.4(PEX16):c.86T>G (p.Val29Gly)

Gene: PEX16 (peroxisomal biogenesis factor 16; minus strand). Cytogenetic location: 11p11.2.
Variant type: single nucleotide variant.
Coding change: c.86T>G on transcript NM_004813.4 (MANE Select); coding-DNA position 86, T replaced by G.
Protein change: p.Val29Gly; replaces valine 29 with glycine.
Molecular consequence: missense variant.
Genome position (GRCh38, 1-based): chr11:45,917,726, A>C on the plus strand (T>G on the coding strand, the complement: PEX16 is on the minus strand). VCF-style: chr11-45917726-A-C. GRCh37 (hg19) VCF-style: chr11-45939277-A-C.
Other names: c.86T>G, p.Val29Gly (NM_057174.3); short protein forms V29G.
Identifiers: ClinVar variation 1389722 (VCV001389722.6), dbSNP rs2134699660, ClinGen allele CA380230663.